The following is an entry in ClinVar:

NM_001008537.3(NEXMIF):c.1587_1591del (p.Arg529fs)

Gene: NEXMIF (neurite extension and migration factor; minus strand). Cytogenetic location: Xq13.3.
Variant type: Deletion.
Coding change: c.1587_1591del on transcript NM_001008537.3 (MANE Select); coding-DNA positions 1587 to 1591, 5 bases deleted (AAAAG; older notation c.1587_1591delAAAAG).
Protein change: p.Arg529fs; shifts the reading frame from arginine 529.
Molecular consequence: frameshift variant.
Genome position (GRCh38, 1-based): chrX:74,742,966-74,742,970, CTTTT deleted on the plus strand (AAAAG on the coding strand, the reverse complement: NEXMIF is on the minus strand); deleting any 5 consecutive bases within chrX:74,742,966-74,742,973 gives the same sequence; the c. name uses the placement nearest the transcript's 3' end. VCF-style (leftmost placement, unchanged base first): chrX-74742965-ACTTTT-A. GRCh37 (hg19) VCF-style: chrX-73962800-ACTTTT-A.
Other names: short protein forms R529fs.
Identifiers: ClinVar variation 4721368 (VCV004721368.1).
Genomic context (GRCh38, chrX:74,742,965, plus strand): 5'-TCACCTTTAAAGCGATTAATGATGATATATTTGATAATAACAGGGGGCTCCTTACGGGTT[ACTTTT>A]CTTCTCTTTTTGGGACACCATTCATCATCATCTTCCTCTTTGGAACCAACTGGCAGCCAT-3'

ClinVar aggregate classification (germline): Pathogenic (1 of 4 stars; one submission).

Submission:

Labcorp Genetics (formerly Invitae), Labcorp
Classification: Pathogenic. Last evaluated: 2025-06-14. Review status: criteria provided, single submitter. Criteria: Invitae Variant Classification Sherloc (09022015). Collection method: clinical testing. Allele origin: germline.
Comment: This sequence change creates a premature translational stop signal (p.Arg529Serfs*4) in the NEXMIF gene. It is expected to result in an absent or disrupted protein product. Loss-of-function variants in NEXMIF are known to be pathogenic (PMID: 23615299). This variant is not present in population databases (gnomAD no frequency). This variant has not been reported in the literature in individuals affected with NEXMIF-related conditions. For these reasons, this variant has been classified as Pathogenic.

Literature cited by the submitters: PubMed 23615299.